The following is an entry in ClinVar:

NM_001270974.2(HYDIN):c.10243G>T (p.Glu3415Ter)

Gene: HYDIN (HYDIN axonemal central pair apparatus protein; minus strand). Cytogenetic location: 16q22.2.
Variant type: single nucleotide variant.
Coding change: c.10243G>T on transcript NM_001270974.2 (MANE Select); coding-DNA position 10243, G replaced by T.
Protein change: p.Glu3415Ter; replaces glutamic acid 3415 with a stop codon.
Molecular consequence: nonsense.
Genome position (GRCh38, 1-based): chr16:70,879,729, C>A on the plus strand (G>T on the coding strand, the complement: HYDIN is on the minus strand). VCF-style: chr16-70879729-C-A. GRCh37 (hg19) VCF-style: chr16-70913632-C-A.
Other names: short protein forms E3415*.
Identifiers: ClinVar variation 3900458 (VCV003900458.1).

ClinVar aggregate classification (germline): Likely pathogenic (1 of 4 stars; one submission).

Submission:

GeneDx
Classification: Likely pathogenic. Last evaluated: 2024-11-23. Review status: criteria provided, single submitter. Criteria: GeneDx Variant Classification Process June 2021. Collection method: clinical testing. Allele origin: germline. Affected: yes.
Comment: Nonsense variant predicted to result in protein truncation or nonsense mediated decay in a gene for which loss of function is a known mechanism of disease; Not observed at significant frequency in large population cohorts (gnomAD); Has not been previously published as pathogenic or benign to our knowledge